The following is an entry in ClinVar:

NM_000059.4(BRCA2):c.5007A>T (p.Leu1669Phe)

Gene: BRCA2 (BRCA2 DNA repair associated; plus strand). Cytogenetic location: 13q13.1.
Variant type: single nucleotide variant.
Coding change: c.5007A>T on transcript NM_000059.4 (MANE Select); coding-DNA position 5007, A replaced by T.
Protein change: p.Leu1669Phe; replaces leucine 1669 with phenylalanine.
Molecular consequence: missense variant.
Genome position (GRCh38, 1-based): chr13:32,339,362, A>T. VCF-style: chr13-32339362-A-T. GRCh37 (hg19) VCF-style: chr13-32913499-A-T.
Other names: short protein forms L1669F.
Identifiers: ClinVar variation 1018342 (VCV001018342.10), dbSNP rs2072518124, ClinGen allele CA387783935.

ClinVar aggregate classification (germline): Conflicting classifications of pathogenicity. Review status: criteria provided, conflicting classifications (1 of 4 stars). 2 submissions from 2 submitters: Uncertain significance (1); Likely benign (1). Last evaluated 2023-06-16.

Conditions:
Hereditary cancer-predisposing syndrome. Also called: Tumor predisposition; Neoplastic Syndromes, Hereditary; Hereditary neoplastic syndrome; Hereditary Cancer Syndrome. Identifiers: Orphanet 140162, MedGen C0027672, MeSH D009386, MONDO:0015356.
Hereditary breast ovarian cancer syndrome. Also called: BRCA1- and BRCA2-Associated Hereditary Breast and Ovarian Cancer; Hereditary breast and/or ovarian cancer syndrome; Hereditary breast and ovarian cancer syndrome; Hereditary breast and ovarian cancer; Hereditary breast and ovarian cancer syndrome (HBOC); Breast and ovarian cancer. Identifiers: Orphanet 145, MedGen C0677776, MeSH D061325, MONDO:0003582. Disease mechanism: loss of function.

Submissions (2):

Labcorp Genetics (formerly Invitae), Labcorp
Classification: Uncertain significance for Hereditary breast ovarian cancer syndrome. Last evaluated: 2023-06-16. Review status: criteria provided, single submitter. Criteria: Invitae Variant Classification Sherloc (09022015). Collection method: clinical testing. Allele origin: germline.
Comment: Advanced modeling of protein sequence and biophysical properties (such as structural, functional, and spatial information, amino acid conservation, physicochemical variation, residue mobility, and thermodynamic stability) performed at Invitae indicates that this missense variant is not expected to disrupt BRCA2 protein function. In summary, the available evidence is currently insufficient to determine the role of this variant in disease. Therefore, it has been classified as a Variant of Uncertain Significance. ClinVar contains an entry for this variant (Variation ID: 1018342). This sequence change replaces leucine, which is neutral and non-polar, with phenylalanine, which is neutral and non-polar, at codon 1669 of the BRCA2 protein (p.Leu1669Phe). This variant is not present in population databases (gnomAD no frequency). This variant has not been reported in the literature in individuals affected with BRCA2-related conditions.

University of Washington Department of Laboratory Medicine, University of Washington
Classification: Likely benign for Hereditary cancer-predisposing syndrome. Last evaluated: 2023-03-23. Review status: criteria provided, single submitter. Criteria: Dines et al. (Genet Med. 2020). Collection method: curation. Allele origin: germline.
Comment: Missense variant in a coldspot region where missense variants are very unlikely to be pathogenic (PMID:31911673).

BRCA2 exon 11 coldspot. Reclassification based on statistical prior probability.